The following is an entry in ClinVar:

ClinVar aggregate classification (germline): Uncertain significance (1 of 4 stars; one submission).

gnomAD v4.1: 14 of 1,613,714 alleles (0.00087%); highest among the groups gnomAD compares: South Asian, 0.0077%; no homozygotes.

Submission:

Labcorp Genetics (formerly Invitae), Labcorp
Classification: Uncertain significance. Last evaluated: 2025-03-20. Review status: criteria provided, single submitter. Criteria: Invitae Variant Classification Sherloc (09022015). Collection method: clinical testing. Allele origin: germline.
Comment: This sequence change replaces arginine, which is basic and polar, with cysteine, which is neutral and slightly polar, at codon 1153 of the COL7A1 protein (p.Arg1153Cys). This variant is present in population databases (rs375583602, gnomAD 0.007%). This variant has not been reported in the literature in individuals affected with COL7A1-related conditions. Invitae Evidence Modeling of protein sequence and biophysical properties (such as structural, functional, and spatial information, amino acid conservation, physicochemical variation, residue mobility, and thermodynamic stability) has been performed for this missense variant. However, the output from this modeling did not meet the statistical confidence thresholds required to predict the impact of this variant on COL7A1 protein function. In summary, the available evidence is currently insufficient to determine the role of this variant in disease. Therefore, it has been classified as a Variant of Uncertain Significance.

NM_000094.4(COL7A1):c.3457C>T (p.Arg1153Cys)

Gene: COL7A1 (collagen type VII alpha 1 chain; minus strand). Cytogenetic location: 3p21.31.
Variant type: single nucleotide variant.
Coding change: c.3457C>T on transcript NM_000094.4 (MANE Select); coding-DNA position 3457, C replaced by T.
Protein change: p.Arg1153Cys; replaces arginine 1153 with cysteine.
Molecular consequence: missense variant.
Genome position (GRCh38, 1-based): chr3:48,586,425, G>A on the plus strand (C>T on the coding strand, the complement: COL7A1 is on the minus strand). VCF-style: chr3-48586425-G-A. GRCh37 (hg19) VCF-style: chr3-48623858-G-A.
Other names: short protein forms R1153C.
Identifiers: ClinVar variation 4752830 (VCV004752830.1).